The following is an entry in ClinVar:

NM_001005242.3(PKP2):c.1952G>A (p.Arg651His)

Gene: PKP2 (plakophilin 2; minus strand). Cytogenetic location: 12p11.21.
Variant type: single nucleotide variant.
Coding change: c.1952G>A on transcript NM_001005242.3 (MANE Select); coding-DNA position 1952, G replaced by A.
Protein change: p.Arg651His; replaces arginine 651 with histidine.
Molecular consequence: missense variant.
Genome position (GRCh38, 1-based): chr12:32,821,417, C>T on the plus strand (G>A on the coding strand, the complement: PKP2 is on the minus strand). VCF-style: chr12-32821417-C-T. GRCh37 (hg19) VCF-style: chr12-32974351-C-T.
Other names: p.R695H:CGC>CAC; c.2084G>A, p.Arg695His (NM_004572.4); short protein forms R695H, R651H.
Identifiers: ClinVar variation 202002 (VCV000202002.34), dbSNP rs758813231, ClinGen allele CA011687.

ClinVar aggregate classification (germline): Uncertain significance. Review status: criteria provided, multiple submitters, no conflicts (2 of 4 stars). 6 submissions from 6 submitters: Uncertain significance (6). Last evaluated 2025-06-04.

Conditions:
Cardiovascular phenotype. Identifiers: MedGen CN230736.
Arrhythmogenic right ventricular cardiomyopathy (ARVD). Also called: Arrhythmogenic right ventricular dysplasia; Cardiomyopathy, ARVC; Arrhythmogenic cardiomyopathy; Arrhythmogenic Right Ventricular Cardiomyopathy (ARVC). Identifiers: Orphanet 247, MedGen C0349788, MeSH D019571, MONDO:0016587. Disease mechanism: loss of function. Inheritance: Various modes of inheritance.
Cardiomyopathy (CMYO). Also called: Cardiomyopathies. Identifiers: Orphanet 167848, MedGen C0878544, MONDO:0004994, HP:0001638. Inheritance: Various modes of inheritance.
Arrhythmogenic right ventricular dysplasia 9 (ARVD9). Also called: Arrhythmogenic Right Ventricular Dysplasia/Cardiomyopathy 9; ARRHYTHMOGENIC RIGHT VENTRICULAR DYSPLASIA, FAMILIAL, 9. Identifiers: MedGen C1836906, MONDO:0012180, OMIM 609040.

Allele frequency attached by ClinVar (database versions not stated): gnomAD exomes 0.00001 and 0.00002; ExAC 0.00002; gnomAD 0.00002 and 0.00003; TOPMed 0.00002.
gnomAD v4.1: 20 of 1,613,916 alleles (0.0012%); highest among the groups gnomAD compares: Middle Eastern, 0.033%; no homozygotes.

Submissions (6):

Color Diagnostics, LLC DBA Color Health
Classification: Uncertain significance for Cardiomyopathy. Last evaluated: 2025-06-04. Review status: criteria provided, single submitter. Criteria: ACMG Guidelines, 2015. Collection method: clinical testing. Allele origin: germline.
Comment: This missense variant replaces arginine with histidine at codon 695 of the PKP2 protein. Computational prediction suggests that this variant may not impact protein structure and function. To our knowledge, functional studies have not been reported for this variant. This variant has been reported in an individual affected with dilated cardiomyopathy and arrhythmogenic right ventricular cardiomyopathy (PMID: 30763825). This variant has been identified in 5/251398 chromosomes in the general population by the Genome Aggregation Database (gnomAD). The available evidence is insufficient to determine the role of this variant in disease conclusively. Therefore, this variant is classified as a Variant of Uncertain Significance.

Labcorp Genetics (formerly Invitae), Labcorp
Classification: Uncertain significance for Arrhythmogenic right ventricular dysplasia 9. Last evaluated: 2024-11-27. Review status: criteria provided, single submitter. Criteria: Invitae Variant Classification Sherloc (09022015). Collection method: clinical testing. Allele origin: germline.
Comment: This sequence change replaces arginine, which is basic and polar, with histidine, which is basic and polar, at codon 695 of the PKP2 protein (p.Arg695His). This variant is present in population databases (rs758813231, gnomAD 0.006%). This variant has not been reported in the literature in individuals affected with PKP2-related conditions. ClinVar contains an entry for this variant (Variation ID: 202002). An algorithm developed to predict the effect of missense changes on protein structure and function (PolyPhen-2) suggests that this variant is likely to be disruptive. In summary, the available evidence is currently insufficient to determine the role of this variant in disease. Therefore, it has been classified as a Variant of Uncertain Significance.

CeGaT Center for Human Genetics Tuebingen
Classification: Uncertain significance. Last evaluated: 2024-08-01. Review status: criteria provided, single submitter. Criteria: CeGaT Center For Human Genetics Tuebingen Variant Classification Criteria Version 2. Collection method: clinical testing. Allele origin: germline. Affected: yes. Observed: 1 variant allele.
Comment: PKP2: PM2

All of Us Research Program, National Institutes of Health
Classification: Uncertain significance for Arrhythmogenic right ventricular cardiomyopathy. Last evaluated: 2024-02-22. Review status: criteria provided, single submitter. Criteria: ACMG Guidelines, 2015. Collection method: clinical testing. Allele origin: germline. Inheritance: Autosomal dominant inheritance. Observed: 7 variant alleles, 7 heterozygotes.
Comment: This missense variant replaces arginine with histidine at codon 695 of the PKP2 protein. Computational prediction tools and conservation analyses are inconclusive regarding the impact of this variant on the protein function. Computational splicing tools suggest that this variant may not impact RNA splicing. To our knowledge, functional assays have not been performed for this variant. This variant has been reported in an individual affected with dilated cardiomyopathy and arrhythmogenic right ventricular cardiomyopathy (PMID: 30763825). This variant has also been identified in 5/251398 chromosomes in the general population by the Genome Aggregation Database (gnomAD). Available evidence is insufficient to determine the role of this variant in disease conclusively. Therefore, this variant is classified as a Variant of Uncertain Significance.

This study involves interpretation of variants in research participants for the purpose of population health screening. Participant phenotype was not available at the time of variant classification. Additional details can be found in publication PMID: 35346344, PMCID: PMC8962531

Ambry Genetics
Classification: Uncertain significance for Cardiovascular phenotype. Last evaluated: 2023-04-05. Review status: criteria provided, single submitter. Criteria: Ambry Variant Classification Scheme 2023. Collection method: clinical testing. Allele origin: germline.
Comment: The p.R695H variant (also known as c.2084G>A), located in coding exon 10 of the PKP2 gene, results from a G to A substitution at nucleotide position 2084. The arginine at codon 695 is replaced by histidine, an amino acid with highly similar properties. This alteration has been reported in an end-stage heart failure cohort in 1 individual with an additional alteration in PLN identified (Te Rijdt WP et al. Cardiovasc Pathol, 2019 Dec;40:2-6). This amino acid position is well conserved in available vertebrate species. In addition, the in silico prediction for this alteration is inconclusive. Since supporting evidence is limited at this time, the clinical significance of this alteration remains unclear.

GeneDx
Classification: Uncertain significance. Last evaluated: 2017-11-20. Review status: criteria provided, single submitter. Criteria: GeneDx Variant Classification (06012015). Collection method: clinical testing. Allele origin: germline. Affected: yes.
Comment: The R695H variant in the PKP2 gene has not been reported previously as a pathogenic variant, nor as a benign variant, to our knowledge. The R695H variant was not observed in approximately 6500 individuals of European and African American ancestry in the NHLBI Exome Sequencing Project, indicating it is not a common benign variant in these populations. The R695H variant is a conservative amino acid substitution, which is not likely to impact secondary protein structure as these residues share similar properties. However, this substitution occurs at a position that is conserved across species, and in silico analysis predicts this variant is probably damaging to the protein structure/function. We interpret R695H as a variant of uncertain significance.

Literature cited by the submitters: PubMed 30763825 (cited by 3 submitters).